The following is an entry in ClinVar:

ClinVar aggregate classification (germline): Uncertain significance (1 of 4 stars; one submission).

Allele frequency attached by ClinVar (database versions not stated): TOPMed 0.00002; ESP Exome Variant Server 0.00008.
gnomAD v4.1: 4 of 1,612,984 alleles (0.00025%); highest among the groups gnomAD compares: Non-Finnish European, 0.00034%; no homozygotes.

Submission:

Labcorp Genetics (formerly Invitae), Labcorp
Classification: Uncertain significance. Last evaluated: 2024-11-11. Review status: criteria provided, single submitter. Criteria: Invitae Variant Classification Sherloc (09022015). Collection method: clinical testing. Allele origin: germline.
Comment: This sequence change replaces arginine, which is basic and polar, with glycine, which is neutral and non-polar, at codon 698 of the RBP3 protein (p.Arg698Gly). This variant is present in population databases (rs374030818, gnomAD 0.007%). This variant has not been reported in the literature in individuals affected with RBP3-related conditions. ClinVar contains an entry for this variant (Variation ID: 968670). An algorithm developed to predict the effect of missense changes on protein structure and function (PolyPhen-2) suggests that this variant is likely to be tolerated. In summary, the available evidence is currently insufficient to determine the role of this variant in disease. Therefore, it has been classified as a Variant of Uncertain Significance.

NM_002900.3(RBP3):c.2092C>G (p.Arg698Gly)

Gene: RBP3 (retinol binding protein 3; plus strand). Cytogenetic location: 10q11.22.
Variant type: single nucleotide variant.
Coding change: c.2092C>G on transcript NM_002900.3 (MANE Select); coding-DNA position 2092, C replaced by G.
Protein change: p.Arg698Gly; replaces arginine 698 with glycine.
Molecular consequence: missense variant.
Genome position (GRCh38, 1-based): chr10:47,350,576, C>G. VCF-style: chr10-47350576-C-G. GRCh37 (hg19) VCF-style: chr10-48388786-G-C.
Other names: short protein forms R698G.
Identifiers: ClinVar variation 968670 (VCV000968670.9), dbSNP rs374030818, ClinGen allele CA5487365.